The following is an entry in ClinVar:

NM_007272.3(CTRC):c.264G>C (p.Lys88Asn)

Gene: CTRC (chymotrypsin C; plus strand). Cytogenetic location: 1p36.21.
Variant type: single nucleotide variant.
Coding change: c.264G>C on transcript NM_007272.3 (MANE Select); coding-DNA position 264, G replaced by C.
Protein change: p.Lys88Asn; replaces lysine 88 with asparagine.
Molecular consequence: missense variant.
Genome position (GRCh38, 1-based): chr1:15,442,480, G>C. VCF-style: chr1-15442480-G-C. GRCh37 (hg19) VCF-style: chr1-15768976-G-C.
Other names: short protein forms K88N.
Identifiers: ClinVar variation 3226060 (VCV003226060.1), dbSNP rs575397166, ClinGen allele CA338565384.

ClinVar aggregate classification (germline): Uncertain significance (1 of 4 stars; one submission).

Conditions:
Hereditary pancreatitis (PCTT). Also called: Hereditary chronic pancreatitis; PRSS1-Related Hereditary Pancreatitis. Identifiers: Orphanet 676, MedGen C0238339, MONDO:0008185, OMIM 167800.

Submission:

Ambry Genetics
Classification: Uncertain significance for Hereditary pancreatitis. Last evaluated: 2023-11-15. Review status: criteria provided, single submitter. Criteria: Ambry Variant Classification Scheme 2023. Collection method: clinical testing. Allele origin: germline.
Comment: The p.K88N variant (also known as c.264G>C), located in coding exon 4 of the CTRC gene, results from a G to C substitution at nucleotide position 264. The lysine at codon 88 is replaced by asparagine, an amino acid with similar properties. This amino acid position is conserved. In addition, this alteration is predicted to be tolerated by in silico analysis. Since supporting evidence is limited at this time, the clinical significance of this alteration remains unclear.